The following is an entry in ClinVar:

ClinVar aggregate classification (germline): Uncertain significance (1 of 4 stars; one submission).

Conditions:
Hereditary spastic paraplegia 26 (SPG26). Also called: SPASTIC PARAPLEGIA 26, AUTOSOMAL RECESSIVE. Identifiers: Orphanet 101006, MedGen C1836632, MONDO:0012213, OMIM 609195.

Submission:

Institute of Human Genetics, University of Leipzig Medical Center
Classification: Uncertain significance for Hereditary spastic paraplegia 26. Last evaluated: 2026-05-19. Review status: criteria provided, single submitter. Criteria: ACMG Guidelines, 2015. Collection method: clinical testing. Allele origin: unknown. Affected: yes.
Comment: Criteria applied: PM2,PM1_SUP,PP3; Identified as compund heterozygous with NM_001478.5:c.1147G>A

NM_001478.5(B4GALNT1):c.839C>A (p.Thr280Lys)

Gene: B4GALNT1 (beta-1,4-N-acetyl-galactosaminyltransferase 1; minus strand). Cytogenetic location: 12q13.3.
Variant type: single nucleotide variant.
Coding change: c.839C>A on transcript NM_001478.5 (MANE Select); coding-DNA position 839, C replaced by A.
Protein change: p.Thr280Lys; replaces threonine 280 with lysine.
Molecular consequence: missense variant. On other transcripts: 5 prime UTR variant (4).
Genome position (GRCh38, 1-based): chr12:57,628,876, G>T on the plus strand (C>A on the coding strand, the complement: B4GALNT1 is on the minus strand). VCF-style: chr12-57628876-G-T. GRCh37 (hg19) VCF-style: chr12-58022659-G-T.
Other names: c.674C>A, p.Thr225Lys (NM_001276468.2, NM_001413978.1); c.839C>A, p.Thr280Lys (NM_001413967.1, NM_001413968.1, NM_001413969.1 and 7 more transcripts); c.740C>A, p.Thr247Lys (NM_001413977.1); c.-149C>A (NM_001413981.1, NM_001413982.1, NM_001413983.1 and 1 more transcripts); short protein forms T225K, T247K, T280K.
Identifiers: ClinVar variation 4857456 (VCV004857456.1).